The following is an entry in ClinVar:

NM_002858.4(ABCD3):c.555A>G (p.Pro185=)

Gene: ABCD3 (ATP binding cassette subfamily D member 3; plus strand). Cytogenetic location: 1p21.3.
Variant type: single nucleotide variant.
Coding change: c.555A>G on transcript NM_002858.4 (MANE Select); coding-DNA position 555, A replaced by G.
Protein change: p.Pro185=; no amino-acid change (proline 185 retained).
Molecular consequence: synonymous variant.
Genome position (GRCh38, 1-based): chr1:94,475,665, A>G. VCF-style: chr1-94475665-A-G. GRCh37 (hg19) VCF-style: chr1-94941221-A-G.
Other names: c.555A>G, p.Pro185= (NM_001122674.2); c.555A>G (NM_002858.3).
Identifiers: ClinVar variation 2866262 (VCV002866262.4), dbSNP rs4148049, ClinGen allele CA960150.

ClinVar aggregate classification (germline): Benign/Likely benign. Review status: criteria provided, multiple submitters, no conflicts (2 of 4 stars). 2 submissions from 2 submitters: Benign (1); Likely benign (1). Last evaluated 2026-04-09.

Conditions:
ABCD3-related disorder. Also called: ABCD3-related condition.

Allele frequency attached by ClinVar (database versions not stated): TOPMed 0.00024; gnomAD exomes 0.00025; gnomAD 0.00028; ExAC 0.00069; 1000 Genomes Project 30x 0.00141; 1000 Genomes Project 0.00180.
gnomAD v4.1: 402 of 1,611,856 alleles (0.025%); highest among the groups gnomAD compares: East Asian, 0.87%; no homozygotes.

Submissions (2):

PreventionGenetics, part of Exact Sciences
Classification: Likely benign for ABCD3-related condition. Last evaluated: 2026-04-09. Review status: criteria provided, single submitter. Criteria: ACMG Guidelines, 2015. Collection method: clinical testing. Allele origin: germline.
Comment: This variant is classified as likely benign based on ACMG/AMP sequence variant interpretation guidelines (Richards et al. 2015 PMID: 25741868, with internal and published modifications).

Labcorp Genetics (formerly Invitae), Labcorp
Classification: Benign. Last evaluated: 2026-01-21. Review status: criteria provided, single submitter. Criteria: Invitae Variant Classification Sherloc (09022015). Collection method: clinical testing. Allele origin: germline.